The following is an entry in ClinVar:

ClinVar aggregate classification (germline): Likely benign. Review status: criteria provided, single submitter (1 of 4 stars). 2 submissions from 2 submitters: Likely benign (1). 1 of the submissions does not count toward it. Last evaluated 2026-06-01.

Conditions:
KCNMA1-related disorder. Also called: KCNMA1-related condition; KCNMA1-related disorders.

Allele frequency attached by ClinVar (database versions not stated): gnomAD exomes 0.00007; gnomAD 0.00035; TOPMed 0.00045.
gnomAD v4.1: 85 of 456,536 alleles (0.019%); highest among the groups gnomAD compares: African/African-American, 0.14%; 1 homozygote.

Submissions (2):

CeGaT Center for Human Genetics Tuebingen
Classification: Likely benign. Last evaluated: 2026-06-01. Review status: criteria provided, single submitter. Criteria: CeGaT Center For Human Genetics Tuebingen Variant Classification Criteria Version 2. Collection method: clinical testing. Allele origin: germline. Affected: yes. Observed: 2 variant alleles.
Comment: KCNMA1: BP4

PreventionGenetics, part of Exact Sciences
Classification: Likely benign for KCNMA1-related condition. Last evaluated: 2019-10-28. Review status: no assertion criteria provided. Collection method: clinical testing. Allele origin: germline. Not counted in ClinVar's aggregate classification.
Comment: This variant is classified as likely benign based on ACMG/AMP sequence variant interpretation guidelines (Richards et al. 2015 PMID: 25741868, with internal and published modifications).

NM_001161352.2(KCNMA1):c.603-32564A>G

Gene: KCNMA1 (potassium calcium-activated channel subfamily M alpha 1; minus strand). Cytogenetic location: 10q22.3.
Variant type: single nucleotide variant.
Coding change: c.603-32564A>G on transcript NM_001161352.2 (MANE Select); 32564 bases into the intron before coding-DNA position 603, A replaced by G.
Molecular consequence: intron variant.
Genome position (GRCh38, 1-based): chr10:77,217,480, T>C on the plus strand (A>G on the coding strand, the complement: KCNMA1 is on the minus strand). VCF-style: chr10-77217480-T-C. GRCh37 (hg19) VCF-style: chr10-78977238-T-C.
Other names: c.441-32564A>G (NM_001271518.2); c.603-32564A>G (NM_001322832.2, NM_001410940.1, NM_001322829.2 and 8 more transcripts); c.62+3A>G (NM_001322838.2).
Identifiers: ClinVar variation 3045059 (VCV003045059.8), dbSNP rs377639841, ClinGen allele CA210112657.